The following is an entry in ClinVar:

ClinVar aggregate classification (germline): Uncertain significance (1 of 4 stars; one submission).

gnomAD v4.1: 2 of 1,613,942 alleles (0.00012%); highest among the groups gnomAD compares: African/African-American, 0.0027%; no homozygotes.

Submission:

Labcorp Genetics (formerly Invitae), Labcorp
Classification: Uncertain significance. Last evaluated: 2025-03-04. Review status: criteria provided, single submitter. Criteria: Invitae Variant Classification Sherloc (09022015). Collection method: clinical testing. Allele origin: germline.
Comment: This sequence change replaces leucine, which is neutral and non-polar, with valine, which is neutral and non-polar, at codon 573 of the FCHO1 protein (p.Leu573Val). This variant is not present in population databases (gnomAD no frequency). This variant has not been reported in the literature in individuals affected with FCHO1-related conditions. An algorithm developed to predict the effect of missense changes on protein structure and function outputs the following: PolyPhen-2: "Probably Damaging". The valine amino acid residue is found in multiple mammalian species, which suggests that this missense change does not adversely affect protein function. In summary, the available evidence is currently insufficient to determine the role of this variant in disease. Therefore, it has been classified as a Variant of Uncertain Significance.

NM_015122.3(FCHO1):c.1717C>G (p.Leu573Val)

Gene: FCHO1 (FCH and mu domain containing endocytic adaptor 1; plus strand). Cytogenetic location: 19p13.11.
Variant type: single nucleotide variant.
Coding change: c.1717C>G on transcript NM_015122.3 (MANE Select); coding-DNA position 1717, C replaced by G.
Protein change: p.Leu573Val; replaces leucine 573 with valine.
Molecular consequence: missense variant. On other transcripts: non-coding transcript variant (36).
Genome position (GRCh38, 1-based): chr19:17,781,320, C>G. VCF-style: chr19-17781320-C-G. GRCh37 (hg19) VCF-style: chr19-17892129-C-G.
Other names: c.1717C>G, p.Leu573Val (NM_001161357.2, NM_001161358.2, NM_001384370.1 and 13 more transcripts); c.1567C>G, p.Leu523Val (NM_001161359.2, NM_001384384.1, NM_001384385.1 and 1 more transcripts); c.1678C>G, p.Leu560Val (NM_001384388.1, NM_001384389.1, NM_001384405.1); c.1642C>G, p.Leu548Val (NM_001384390.1); c.1600C>G, p.Leu534Val (NM_001384392.1, NM_001384393.1, NM_001384394.1 and 1 more transcripts); c.1441C>G, p.Leu481Val (NM_001384396.1, NM_001384397.1, NM_001384398.1 and 5 more transcripts); c.1396C>G, p.Leu466Val (NM_001384403.1); c.1291C>G, p.Leu431Val (NM_001384406.1); and 1 more; short protein forms L466V, L481V, L523V, L560V, L431V, L534V, L383V, L548V.
Identifiers: ClinVar variation 4710119 (VCV004710119.1).